The following is an entry in ClinVar:

ClinVar aggregate classification (germline): Uncertain significance. Review status: criteria provided, multiple submitters, no conflicts (2 of 4 stars). 2 submissions from 2 submitters: Uncertain significance (2). Last evaluated 2025-08-07.

Allele frequency attached by ClinVar (database versions not stated): gnomAD 0.00001; TOPMed 0.00002; gnomAD exomes 0.00003 and 0.00006; ExAC 0.00005.

Submissions (2):

Labcorp Genetics (formerly Invitae), Labcorp
Classification: Uncertain significance. Last evaluated: 2025-08-07. Review status: criteria provided, single submitter. Criteria: Invitae Variant Classification Sherloc (09022015). Collection method: clinical testing. Allele origin: germline.
Comment: This sequence change replaces glutamic acid, which is acidic and polar, with lysine, which is basic and polar, at codon 114 of the GJB2 protein (p.Glu114Lys). This variant is present in population databases (rs201855069, gnomAD 0.05%). This missense change has been observed in individual(s) with deafness (PMID: 30168495). ClinVar contains an entry for this variant (Variation ID: 1328920). Invitae Evidence Modeling of protein sequence and biophysical properties (such as structural, functional, and spatial information, amino acid conservation, physicochemical variation, residue mobility, and thermodynamic stability) has been performed for this missense variant. However, the output from this modeling did not meet the statistical confidence thresholds required to predict the impact of this variant on GJB2 protein function. In summary, the available evidence is currently insufficient to determine the role of this variant in disease. Therefore, it has been classified as a Variant of Uncertain Significance.

GeneDx
Classification: Uncertain significance. Last evaluated: 2021-06-18. Review status: criteria provided, single submitter. Criteria: GeneDx Variant Classification Process June 2021. Collection method: clinical testing. Allele origin: germline. Affected: yes.
Comment: Identified in a patient with nonsyndromic hearing loss in published literature (Singh et al., 2018); In silico analysis supports that this missense variant does not alter protein structure/function; This variant is associated with the following publications: (PMID: 27535533, Murtaza2020[Review], 30168495)

Literature cited by the submitters: PubMed 30168495 (cited by Labcorp Genetics (formerly Invitae), Labcorp).

NM_004004.6(GJB2):c.340G>A (p.Glu114Lys)

Gene: GJB2 (gap junction protein beta 2; minus strand). Cytogenetic location: 13q12.11.
Variant type: single nucleotide variant.
Coding change: c.340G>A on transcript NM_004004.6 (MANE Select); coding-DNA position 340, G replaced by A.
Protein change: p.Glu114Lys; replaces glutamic acid 114 with lysine.
Molecular consequence: missense variant.
Genome position (GRCh38, 1-based): chr13:20,189,242, C>T on the plus strand (G>A on the coding strand, the complement: GJB2 is on the minus strand). VCF-style: chr13-20189242-C-T. GRCh37 (hg19) VCF-style: chr13-20763381-C-T.
Other names: short protein forms E114K.
Identifiers: ClinVar variation 1328920 (VCV001328920.3), dbSNP rs201855069, ClinGen allele CA6904279.
Genomic context (GRCh38, chr13:20,189,242, plus strand): 5'-ACCACAGGGAGCCTTCGATGCGGACCTTCTGGGTTTTGATCTCCTCGATGTCCTTAAATT[C>T]ACTCTTTATCTCCCCCTTGATGAACTTCCTCTTCTTCTCATGTCTCCGGTAGGCCACGTG-3'
Protein context (NP_003995.2, residues 104-124): RKFIKGEIKS[Glu114Lys]FKDIEEIKTQ